The following is an entry in ClinVar:

NM_000142.5(FGFR3):c.116C>T (p.Pro39Leu)

Gene: FGFR3 (fibroblast growth factor receptor 3; plus strand). Cytogenetic location: 4p16.3.
Variant type: single nucleotide variant.
Coding change: c.116C>T on transcript NM_000142.5 (MANE Select); coding-DNA position 116, C replaced by T.
Protein change: p.Pro39Leu; replaces proline 39 with leucine.
Molecular consequence: missense variant. On other transcripts: non-coding transcript variant (1).
Genome position (GRCh38, 1-based): chr4:1,799,260, C>T. VCF-style: chr4-1799260-C-T. GRCh37 (hg19) VCF-style: chr4-1800987-C-T.
Other names: c.116C>T, p.Pro39Leu (NM_001163213.2, NM_001354809.2, NM_001354810.2 and 1 more transcripts); short protein forms P39L.
Identifiers: ClinVar variation 1679984 (VCV001679984.6), dbSNP rs769591617, ClinGen allele CA2809717.

ClinVar aggregate classification (germline): Uncertain significance (1 of 4 stars; one submission).

Allele frequency attached by ClinVar (database versions not stated): gnomAD 0.00001; gnomAD exomes 0.00001 and 0.00003; TOPMed 0.00001; ExAC 0.00003.
gnomAD v4.1: 22 of 1,612,384 alleles (0.0014%); highest among the groups gnomAD compares: Admixed American, 0.01%; no homozygotes.

Submission:

Labcorp Genetics (formerly Invitae), Labcorp
Classification: Uncertain significance. Last evaluated: 2025-08-27. Review status: criteria provided, single submitter. Criteria: Invitae Variant Classification Sherloc (09022015). Collection method: clinical testing. Allele origin: germline.
Comment: This sequence change replaces proline, which is neutral and non-polar, with leucine, which is neutral and non-polar, at codon 39 of the FGFR3 protein (p.Pro39Leu). This variant is present in population databases (rs769591617, gnomAD 0.01%). This variant has not been reported in the literature in individuals affected with FGFR3-related conditions. ClinVar contains an entry for this variant (Variation ID: 1679984). An algorithm developed to predict the effect of missense changes on protein structure and function outputs the following: PolyPhen-2: "Benign". The leucine amino acid residue is found in multiple mammalian species, which suggests that this missense change does not adversely affect protein function. In summary, the available evidence is currently insufficient to determine the role of this variant in disease. Therefore, it has been classified as a Variant of Uncertain Significance.